The following is an entry in ClinVar:

NM_020297.4(ABCC9):c.1912-234T>C

Gene: ABCC9 (ATP binding cassette subfamily C member 9; minus strand). Cytogenetic location: 12p12.1.
Variant type: single nucleotide variant.
Coding change: c.1912-234T>C on transcript NM_020297.4 (MANE Select); 234 bases into the intron before coding-DNA position 1912, T replaced by C.
Molecular consequence: intron variant.
Genome position (GRCh38, 1-based): chr12:21,883,107, A>G on the plus strand (T>C on the coding strand, the complement: ABCC9 is on the minus strand). VCF-style: chr12-21883107-A-G. GRCh37 (hg19) VCF-style: chr12-22036041-A-G.
Other names: c.1048-234T>C (NM_001377274.1); c.1912-234T>C (NM_005691.4, NM_001377273.1).
Identifiers: ClinVar variation 679078 (VCV000679078.1), dbSNP rs113761754, ClinGen allele CA233620627.

ClinVar aggregate classification (germline): Benign (1 of 4 stars; one submission).

Allele frequency attached by ClinVar (database versions not stated): 1000 Genomes Project 0.01558; gnomAD 0.01625 and 0.01754; 1000 Genomes Project 30x 0.01749; TOPMed 0.01869.
gnomAD v4.1: 2,456 of 152,350 alleles (1.6%); highest among the groups gnomAD compares: African/African-American, 5.3%; 57 homozygotes.

Submission:

GeneDx
Classification: Benign. Last evaluated: 2018-06-14. Review status: criteria provided, single submitter. Criteria: GeneDx Variant Classification (06012015). Collection method: clinical testing. Allele origin: germline. Affected: yes.
Comment: This variant is considered likely benign or benign based on one or more of the following criteria: it is a conservative change, it occurs at a poorly conserved position in the protein, it is predicted to be benign by multiple in silico algorithms, and/or has population frequency not consistent with disease.